The following is an entry in ClinVar:

NM_001166108.2(PALLD):c.2606T>C (p.Met869Thr)

Genes: CBR4 (carbonyl reductase 4; minus strand), PALLD (palladin, cytoskeletal associated protein; plus strand). Cytogenetic location: 4q32.3.
Variant type: single nucleotide variant.
Coding change: c.2606T>C on transcript NM_001166108.2 (MANE Select); coding-DNA position 2606, T replaced by C.
Protein change: p.Met869Thr; replaces methionine 869 with threonine.
Molecular consequence: missense variant.
Genome position (GRCh38, 1-based): chr4:168,903,890, T>C. VCF-style: chr4-168903890-T-C. GRCh37 (hg19) VCF-style: chr4-169825041-T-C.
Other names: c.1409T>C, p.Met470Thr (NM_001166109.2); c.1094T>C, p.Met365Thr (NM_001166110.2); c.434T>C, p.Met145Thr (NM_001367567.1, NM_001367569.1); c.485T>C, p.Met162Thr (NM_001367568.1, NM_001367570.1); c.2555T>C, p.Met852Thr (NM_016081.4); short protein forms M145T, M470T, M852T, M162T, M365T, M869T.
Identifiers: ClinVar variation 2625569 (VCV002625569.2), dbSNP rs1018273720, ClinGen allele CA110518514.

ClinVar aggregate classification (germline): Uncertain significance (1 of 4 stars; one submission).

Allele frequency attached by ClinVar (database versions not stated): gnomAD exomes below 0.00001; TOPMed below 0.00001.
gnomAD v4.1: 2 of 1,614,124 alleles (0.00012%); highest among the groups gnomAD compares: South Asian, 0.0011%; no homozygotes.

Submission:

Ambry Genetics
Classification: Uncertain significance. Last evaluated: 2023-09-05. Review status: criteria provided, single submitter. Criteria: Ambry Variant Classification Scheme 2023. Collection method: clinical testing. Allele origin: germline.
Comment: The p.M852T variant (also known as c.2555T>C), located in coding exon 13 of the PALLD gene, results from a T to C substitution at nucleotide position 2555. The methionine at codon 852 is replaced by threonine, an amino acid with similar properties. This amino acid position is conserved. In addition, the in silico prediction for this alteration is inconclusive. Since supporting evidence is limited at this time, the clinical significance of this alteration remains unclear.